The following is an entry in ClinVar:

ClinVar aggregate classification (germline): Uncertain significance. Review status: criteria provided, multiple submitters, no conflicts (2 of 4 stars). 4 submissions from 4 submitters: Uncertain significance (4). Last evaluated 2025-05-30.

Conditions:
Inborn genetic diseases. Identifiers: MedGen C0950123, MeSH D030342.

gnomAD v4.1: 4 of 1,613,606 alleles (0.00025%); highest among the groups gnomAD compares: South Asian, 0.0044%; no homozygotes.

Submissions (4):

Labcorp Genetics (formerly Invitae), Labcorp
Classification: Uncertain significance. Last evaluated: 2025-05-30. Review status: criteria provided, single submitter. Criteria: Invitae Variant Classification Sherloc (09022015). Collection method: clinical testing. Allele origin: germline.
Comment: This sequence change replaces arginine, which is basic and polar, with serine, which is neutral and polar, at codon 1179 of the LRP5 protein (p.Arg1179Ser). This variant is present in population databases (rs780585577, gnomAD 0.006%). This variant has not been reported in the literature in individuals affected with LRP5-related conditions. ClinVar contains an entry for this variant (Variation ID: 2063043). Invitae Evidence Modeling of protein sequence and biophysical properties (such as structural, functional, and spatial information, amino acid conservation, physicochemical variation, residue mobility, and thermodynamic stability) indicates that this missense variant is not expected to disrupt LRP5 protein function with a negative predictive value of 95%. In summary, the available evidence is currently insufficient to determine the role of this variant in disease. Therefore, it has been classified as a Variant of Uncertain Significance.

Ambry Genetics
Classification: Uncertain significance for Inborn genetic diseases. Last evaluated: 2025-02-19. Review status: criteria provided, single submitter. Criteria: Ambry Variant Classification Scheme 2023. Collection method: clinical testing. Allele origin: germline.

GeneDx
Classification: Uncertain significance. Last evaluated: 2025-02-14. Review status: criteria provided, single submitter. Criteria: GeneDx Variant Classification Process June 2021. Collection method: clinical testing. Allele origin: germline. Affected: yes.
Comment: In silico analysis supports that this missense variant has a deleterious effect on protein structure/function; Has not been previously published as pathogenic or benign to our knowledge

Blueprint Genetics
Classification: Uncertain significance. Last evaluated: 2018-04-03. Review status: criteria provided, single submitter. Criteria: ACMG Guidelines, 2015. Collection method: clinical testing. Allele origin: germline.

NM_002335.4(LRP5):c.3535C>A (p.Arg1179Ser)

Gene: LRP5 (LDL receptor related protein 5; plus strand). Cytogenetic location: 11q13.2.
Variant type: single nucleotide variant.
Coding change: c.3535C>A on transcript NM_002335.4 (MANE Select); coding-DNA position 3535, C replaced by A.
Protein change: p.Arg1179Ser; replaces arginine 1179 with serine.
Molecular consequence: missense variant.
Genome position (GRCh38, 1-based): chr11:68,426,085, C>A. VCF-style: chr11-68426085-C-A. GRCh37 (hg19) VCF-style: chr11-68193553-C-A.
Other names: c.3535C>A (NM_002335.2); c.1792C>A, p.Arg598Ser (NM_001291902.2); short protein forms R598S, R1179S.
Identifiers: ClinVar variation 2063043 (VCV002063043.7), dbSNP rs780585577, ClinGen allele CA6150021.
Genomic context (GRCh38, chr11:68,426,085, plus strand): 5'-GGCCTGACCATCCTTGGCAAGCATCTCTACTGGATCGACCGCCAGCAGCAGATGATCGAG[C>A]GTGTGGAGAAGACCACCGGGGACAAGCGGACTCGCATCCAGGGCCGTGTCGCCCACCTCA-3'
Protein context (NP_002326.2, residues 1169-1189): WIDRQQQMIE[Arg1179Ser]VEKTTGDKRT